The following is an entry in ClinVar:

ClinVar aggregate classification (germline): Uncertain significance (1 of 4 stars; one submission).

gnomAD v4.1: 1 of 1,613,696 alleles (0.000062%); highest among the groups gnomAD compares: Non-Finnish European, 0.000085%; no homozygotes.

Submission:

Labcorp Genetics (formerly Invitae), Labcorp
Classification: Uncertain significance. Last evaluated: 2024-08-01. Review status: criteria provided, single submitter. Criteria: Invitae Variant Classification Sherloc (09022015). Collection method: clinical testing. Allele origin: germline.
Comment: This sequence change replaces glutamic acid, which is acidic and polar, with lysine, which is basic and polar, at codon 194 of the TBX20 protein (p.Glu194Lys). This variant is not present in population databases (gnomAD no frequency). This variant has not been reported in the literature in individuals affected with TBX20-related conditions. Advanced modeling of protein sequence and biophysical properties (such as structural, functional, and spatial information, amino acid conservation, physicochemical variation, residue mobility, and thermodynamic stability) performed at Invitae indicates that this missense variant is not expected to disrupt TBX20 protein function with a negative predictive value of 80%. In summary, the available evidence is currently insufficient to determine the role of this variant in disease. Therefore, it has been classified as a Variant of Uncertain Significance.

NM_001077653.2(TBX20):c.580G>A (p.Glu194Lys)

Gene: TBX20 (T-box transcription factor 20; minus strand). Cytogenetic location: 7p14.2.
Variant type: single nucleotide variant.
Coding change: c.580G>A on transcript NM_001077653.2 (MANE Select); coding-DNA position 580, G replaced by A.
Protein change: p.Glu194Lys; replaces glutamic acid 194 with lysine.
Molecular consequence: missense variant.
Genome position (GRCh38, 1-based): chr7:35,245,023, C>T on the plus strand (G>A on the coding strand, the complement: TBX20 is on the minus strand). VCF-style: chr7-35245023-C-T. GRCh37 (hg19) VCF-style: chr7-35284635-C-T.
Other names: c.580G>A, p.Glu194Lys (NM_001166220.1); short protein forms E194K.
Identifiers: ClinVar variation 3655575 (VCV003655575.2).